The following is an entry in ClinVar:

NM_014140.4(SMARCAL1):c.2074C>T (p.Gln692Ter)

Gene: SMARCAL1 (SNF2 related chromatin remodeling annealing helicase 1; plus strand). Cytogenetic location: 2q35.
Variant type: single nucleotide variant.
Coding change: c.2074C>T on transcript NM_014140.4 (MANE Select); coding-DNA position 2074, C replaced by T.
Protein change: p.Gln692Ter; replaces glutamine 692 with a stop codon.
Molecular consequence: nonsense.
Genome position (GRCh38, 1-based): chr2:216,464,600, C>T. VCF-style: chr2-216464600-C-T. GRCh37 (hg19) VCF-style: chr2-217329323-C-T.
Other names: c.2074C>T, p.Gln692Ter (NM_001127207.2); short protein forms Q692*.
Identifiers: ClinVar variation 4815599 (VCV004815599.1).
Genomic context (GRCh38, chr2:216,464,600, plus strand): 5'-CTCATCCCAGAGTTCTCAGACTGGGGCACTTAACATTCTTAACTTATCTTTCAACAGAAA[C>T]AGCAGCAGAAAGATGCCCTCATTCTCTTCTTCAACAGAACAGCTGAAGCTAAAATCCCAT-3'

ClinVar aggregate classification (germline): Likely pathogenic (1 of 4 stars; one submission).

Conditions:
Schimke immuno-osseous dysplasia (SIOD). Also called: Schimke Immunoosseous Dysplasia. Identifiers: Orphanet 1830, MedGen C0877024, MONDO:0009458, OMIM 242900.

Submission:

Natera, Inc.
Classification: Likely pathogenic for Schimke immuno-osseous dysplasia. Last evaluated: 2024-10-30. Review status: criteria provided, single submitter. Criteria: Natera Variant Classification Schema (03/2026). Collection method: clinical testing. Allele origin: germline.
Comment: The c.2074C>T variant in SMARCAL1 is a nonsense variant predicted to introduce a stop codon at amino acid 692. This variant is expected to result in nonsense mediated decay, truncation, or a dysfunctional protein product. This variant is rare in the general population with a frequency below the threshold expected for the associated phenotype(s). Given the available evidence, this variant is classified as Likely Pathogenic.